The following is an entry in ClinVar:

ClinVar aggregate classification (germline): Benign (1 of 4 stars; one submission).

Conditions:
Hereditary spastic paraplegia 8 (SPG8). Also called: SPASTIC PARAPLEGIA 8, AUTOSOMAL DOMINANT. Identifiers: Orphanet 100989, MedGen C1863704, MONDO:0011339, OMIM 603563.

Allele frequency attached by ClinVar (database versions not stated): gnomAD 0.00003 and 0.00038; TOPMed 0.00008; 1000 Genomes Project 0.00280; 1000 Genomes Project 30x 0.00312.

Submission:

Illumina Laboratory Services, Illumina
Classification: Benign for Hereditary spastic paraplegia 8. Last evaluated: 2018-01-13. Review status: criteria provided, single submitter. Criteria: ICSL Variant Classification Criteria 13 December 2019. Collection method: clinical testing. Allele origin: germline.
Comment: This variant was observed in the ICSL laboratory as part of a predisposition screen in an ostensibly healthy population. It had not been previously curated by ICSL or reported in the Human Gene Mutation Database (HGMD: prior to June 1st, 2018), and was therefore a candidate for classification through an automated scoring system. Utilizing variant allele frequency, disease prevalence and penetrance estimates, and inheritance mode, an automated score was calculated to assess if this variant is too frequent to cause the disease. Based on the score and internal cut-off values, a variant classified as benign is not then subjected to further curation. The score for this variant resulted in a classification of benign for this disease.

NM_014846.4(WASHC5):c.-253G>A

Genes: WASHC5 (WASH complex subunit 5; minus strand), LOC130001093 (ATAC-STARR-seq lymphoblastoid active region 27899; plus strand). Cytogenetic location: 8q24.13.
Variant type: single nucleotide variant.
Coding change: c.-253G>A on transcript NM_014846.4 (MANE Select); 253 bases upstream of the start codon, G replaced by A.
Molecular consequence: 5 prime UTR variant.
Genome position (GRCh38, 1-based): chr8:125,091,743, C>T on the plus strand (G>A on the coding strand, the complement: WASHC5 is on the minus strand). VCF-style: chr8-125091743-C-T. GRCh37 (hg19) VCF-style: chr8-126103985-C-T.
Other names: c.-387G>A (NM_001330609.2).
Identifiers: ClinVar variation 361744 (VCV000361744.5), dbSNP rs533362974, ClinGen allele CA10630078.
Genomic context (GRCh38, chr8:125,091,743, plus strand): 5'-TCCACCCCTCCCTCAAGGCGGCGGTCCTCTTCTATCCGCAGTCCCGGACCTGGAGCGGGT[C>T]AGACCCCGACTTCCGCCCCTGACTCCCCAGGCGGTCACATGACCGAAGCGGCTGGGAGCA-3'